The following is an entry in ClinVar:

ClinVar aggregate classification (germline): Uncertain significance (1 of 4 stars; one submission).

Conditions:
Hereditary cancer-predisposing syndrome. Also called: Neoplastic Syndromes, Hereditary; Tumor predisposition; Hereditary neoplastic syndrome; Hereditary Cancer Syndrome. Identifiers: Orphanet 140162, MedGen C0027672, MeSH D009386, MONDO:0015356.

Submission:

Ambry Genetics
Classification: Uncertain significance for Hereditary cancer-predisposing syndrome. Last evaluated: 2022-12-22. Review status: criteria provided, single submitter. Criteria: Ambry Variant Classification Scheme 2023. Collection method: clinical testing. Allele origin: germline.
Comment: The c.231-5_252dup27 variant results from a duplication of 27 nucleotides (TTTAGAACTAATGGACATTGCTTTGCC) between positions c.231-5 and c.252 and involves the canonical splice acceptor site before coding exon 3 of the BMPR1A gene. In silico splice site analysis predicts that this alteration may result in the creation or strengthening of a novel splice acceptor site; however, direct evidence is insufficient at this time (Ambry internal data). The canonical splice acceptor site is highly conserved in available vertebrate species. Since supporting evidence is limited at this time, the clinical significance of this alteration remains unclear.

NM_004329.3(BMPR1A):c.231-5_252dup

Gene: BMPR1A (bone morphogenetic protein receptor type 1A; plus strand). Cytogenetic location: 10q23.2.
Variant type: Duplication.
Coding change: c.231-5_252dup on transcript NM_004329.3 (MANE Select); 5 bases into the intron before coding-DNA position 231 through coding-DNA position 252, 27 bases duplicated (TTTAGAACTAATGGACATTGCTTTGCC).
Molecular consequence: splice acceptor variant.
Genome position (GRCh38, 1-based): chr10:86,892,122-86,892,148, TTTAGAACTAATGGACATTGCTTTGCC duplicated. VCF-style (leftmost placement, unchanged base first): chr10-86892121-T-TTTTAGAACTAATGGACATTGCTTTGCC. GRCh37 (hg19) VCF-style: chr10-88651878-T-TTTTAGAACTAATGGACATTGCTTTGCC.
Other names: c.231-5_252dup (NM_001406571.1, NM_001406563.1, NM_001406581.1 and 23 more transcripts); c.147-5_168dup (NM_001406584.1, NM_001406588.1, NM_001406587.1 and 2 more transcripts).
Identifiers: ClinVar variation 2450270 (VCV002450270.2), dbSNP rs2539444791, ClinGen allele CA2580082084.